The following is an entry in ClinVar:

NM_001103.4(ACTN2):c.422T>C (p.Phe141Ser)

Gene: ACTN2 (actinin alpha 2; plus strand). Cytogenetic location: 1q43.
Variant type: single nucleotide variant.
Coding change: c.422T>C on transcript NM_001103.4 (MANE Select); coding-DNA position 422, T replaced by C.
Protein change: p.Phe141Ser; replaces phenylalanine 141 with serine.
Molecular consequence: missense variant. On other transcripts: non-coding transcript variant (1).
Genome position (GRCh38, 1-based): chr1:236,720,165, T>C. VCF-style: chr1-236720165-T-C. GRCh37 (hg19) VCF-style: chr1-236883465-T-C.
Other names: c.422T>C, p.Phe141Ser (NM_001278343.2); short protein forms F141S.
Identifiers: ClinVar variation 4792028 (VCV004792028.1).

ClinVar aggregate classification (germline): Uncertain significance (1 of 4 stars; one submission).

Conditions:
Dilated cardiomyopathy 1AA (CMD1AA). Also called: CARDIOMYOPATHY, DILATED, 1AA, WITH OR WITHOUT LEFT VENTRICULAR NONCOMPACTION; CARDIOMYOPATHY, FAMILIAL HYPERTROPHIC, 23, WITH OR WITHOUT LEFT VENTRICULAR NONCOMPACTION; Cardiomyopathy, dilated, 1AA, with or without LVNC. Identifiers: Orphanet 154, MedGen C2677338, MONDO:0012808, OMIM 612158.
Primary familial hypertrophic cardiomyopathy (HCM). Identifiers: Orphanet 99739, MedGen C0949658, MeSH D024741, MONDO:0024573. Inheritance: Various modes of inheritance.

Submission:

Labcorp Genetics (formerly Invitae), Labcorp
Classification: Uncertain significance for Primary familial hypertrophic cardiomyopathy; Dilated cardiomyopathy 1AA. Last evaluated: 2025-10-09. Review status: criteria provided, single submitter. Criteria: Invitae Variant Classification Sherloc (09022015). Collection method: clinical testing. Allele origin: germline.
Comment: This sequence change replaces phenylalanine, which is neutral and non-polar, with serine, which is neutral and polar, at codon 141 of the ACTN2 protein (p.Phe141Ser). This variant is not present in population databases (gnomAD no frequency). This variant has not been reported in the literature in individuals affected with ACTN2-related conditions. Invitae Evidence Modeling of protein sequence and biophysical properties (such as structural, functional, and spatial information, amino acid conservation, physicochemical variation, residue mobility, and thermodynamic stability) indicates that this missense variant is expected to disrupt ACTN2 protein function with a positive predictive value of 80%. In summary, the available evidence is currently insufficient to determine the role of this variant in disease. Therefore, it has been classified as a Variant of Uncertain Significance.